The following is an entry in ClinVar:

ClinVar aggregate classification (germline): Pathogenic (1 of 4 stars; one submission).

Conditions:
Retinoblastoma (RB1). Also called: RETINOBLASTOMA, SOMATIC. Identifiers: Orphanet 790, MedGen C0035335, MeSH D012175, MONDO:0008380, OMIM 180200, HP:0009919. Disease mechanism: loss of function. Inheritance: Both sporadic and heritable forms are tested..

Submission:

Labcorp Genetics (formerly Invitae), Labcorp
Classification: Pathogenic for Retinoblastoma. Last evaluated: 2024-08-08. Review status: criteria provided, single submitter. Criteria: Invitae Variant Classification Sherloc (09022015). Collection method: clinical testing. Allele origin: germline.
Comment: This sequence change creates a premature translational stop signal (p.Cys278Metfs*2) in the RB1 gene. It is expected to result in an absent or disrupted protein product. Loss-of-function variants in RB1 are known to be pathogenic (PMID: 17096365). This variant is not present in population databases (gnomAD no frequency). This variant has not been reported in the literature in individuals affected with RB1-related conditions. Algorithms developed to predict the effect of sequence changes on RNA splicing suggest that this variant may disrupt the consensus splice site. For these reasons, this variant has been classified as Pathogenic.

Literature cited by the submitters: PubMed 17096365.

NM_000321.3(RB1):c.831_832insA (p.Cys278fs)

Gene: RB1 (RB transcriptional corepressor 1; plus strand). Cytogenetic location: 13q14.2.
Variant type: Insertion.
Coding change: c.831_832insA on transcript NM_000321.3 (MANE Select); coding-DNA positions 831 to 832, A inserted.
Protein change: p.Cys278fs; shifts the reading frame from cysteine 278.
Molecular consequence: frameshift variant.
Genome position: GRCh38 VCF-style: chr13-48362927-C-CA. GRCh37 (hg19) VCF-style: chr13-48937063-C-CA.
Other names: c.831_832insA, p.Cys278fs (NM_001407165.1, NM_001407166.1); short protein forms C278fs.
Identifiers: ClinVar variation 3661744 (VCV003661744.2).